The following is an entry in ClinVar:

NM_004629.2(FANCG):c.692del (p.Ser231fs)

Gene: FANCG (FA complementation group G; minus strand). Cytogenetic location: 9p13.3.
Variant type: Deletion.
Coding change: c.692del on transcript NM_004629.2 (MANE Select); coding-DNA position 692, one base deleted (G; older notation c.692delG).
Protein change: p.Ser231fs; shifts the reading frame from serine 231.
Molecular consequence: frameshift variant.
Genome position (GRCh38, 1-based): chr9:35,077,056, C deleted on the plus strand (G on the coding strand, the reverse complement: FANCG is on the minus strand). VCF-style (leftmost placement, unchanged base first): chr9-35077055-GC-G. GRCh37 (hg19) VCF-style: chr9-35077052-GC-G.
Other names: short protein forms S231fs.
Identifiers: ClinVar variation 2840633 (VCV002840633.4), dbSNP rs2490403647, ClinGen allele CA2739269194.

ClinVar aggregate classification (germline): Pathogenic/Likely pathogenic. Review status: criteria provided, multiple submitters, no conflicts (2 of 4 stars). 2 submissions from 2 submitters: Pathogenic (1); Likely pathogenic (1). Last evaluated 2023-11-16.

Conditions:
Fanconi anemia (FA). Also called: Fanconi's anemia. Identifiers: Orphanet 84, MedGen C0015625, MeSH D005199, MONDO:0019391.
Fanconi anemia complementation group G. Also called: FANCG-Related Fanconi Anemia; Fanconi anemia group G. Identifiers: Orphanet 84, MedGen C3469527, MONDO:0013565, OMIM 614082.

Submissions (2):

Baylor Genetics
Classification: Likely pathogenic for Fanconi anemia complementation group G. Last evaluated: 2023-11-16. Review status: criteria provided, single submitter. Criteria: ACMG Guidelines, 2015. Collection method: clinical testing. Allele origin: unknown.

Labcorp Genetics (formerly Invitae), Labcorp
Classification: Pathogenic for Fanconi anemia. Last evaluated: 2023-09-12. Review status: criteria provided, single submitter. Criteria: Invitae Variant Classification Sherloc (09022015). Collection method: clinical testing. Allele origin: germline.
Comment: This sequence change creates a premature translational stop signal (p.Ser231Thrfs*43) in the FANCG gene. It is expected to result in an absent or disrupted protein product. Loss-of-function variants in FANCG are known to be pathogenic (PMID: 12552564). This variant is not present in population databases (gnomAD no frequency). This variant has not been reported in the literature in individuals affected with FANCG-related conditions. For these reasons, this variant has been classified as Pathogenic.

Literature cited by the submitters: PubMed 12552564 (cited by Labcorp Genetics (formerly Invitae), Labcorp).